The following is an entry in ClinVar:

NM_003738.5(PTCH2):c.2417C>A (p.Thr806Asn)

Gene: PTCH2 (patched 2; minus strand). Cytogenetic location: 1p34.1.
Variant type: single nucleotide variant.
Coding change: c.2417C>A on transcript NM_003738.5 (MANE Select); coding-DNA position 2417, C replaced by A.
Protein change: p.Thr806Asn; replaces threonine 806 with asparagine.
Molecular consequence: missense variant.
Genome position (GRCh38, 1-based): chr1:44,827,264, G>T on the plus strand (C>A on the coding strand, the complement: PTCH2 is on the minus strand). VCF-style: chr1-44827264-G-T. GRCh37 (hg19) VCF-style: chr1-45292936-G-T.
Other names: c.2417C>A, p.Thr806Asn (NM_001166292.2); short protein forms T806N.
Identifiers: ClinVar variation 1371116 (VCV001371116.10), dbSNP rs139683072, ClinGen allele CA340095469.

ClinVar aggregate classification (germline): Uncertain significance (1 of 4 stars; one submission).

Conditions:
Gorlin syndrome. Also called: Basal cell nevus syndrome; Nevoid Basal Cell Carcinoma Syndrome. Identifiers: Orphanet 377, MedGen C0004779, MONDO:0007187.

gnomAD v4.1: 1 of 1,613,954 alleles (0.000062%); highest among the groups gnomAD compares: East Asian, 0.0022%; no homozygotes.

Submission:

Labcorp Genetics (formerly Invitae), Labcorp
Classification: Uncertain significance for Gorlin syndrome. Last evaluated: 2025-07-02. Review status: criteria provided, single submitter. Criteria: Invitae Variant Classification Sherloc (09022015). Collection method: clinical testing. Allele origin: germline.
Comment: This sequence change replaces threonine, which is neutral and polar, with asparagine, which is neutral and polar, at codon 806 of the PTCH2 protein (p.Thr806Asn). This variant is not present in population databases (gnomAD no frequency). This variant has not been reported in the literature in individuals affected with PTCH2-related conditions. ClinVar contains an entry for this variant (Variation ID: 1371116). Invitae Evidence Modeling of protein sequence and biophysical properties (such as structural, functional, and spatial information, amino acid conservation, physicochemical variation, residue mobility, and thermodynamic stability) indicates that this missense variant is not expected to disrupt PTCH2 protein function with a negative predictive value of 80%. In summary, the available evidence is currently insufficient to determine the role of this variant in disease. Therefore, it has been classified as a Variant of Uncertain Significance.